The following is an entry in ClinVar:

NM_001127178.3(PIGG):c.408C>G (p.Asn136Lys)

Gene: PIGG (phosphatidylinositol glycan anchor biosynthesis class G (EMM blood group); plus strand). Cytogenetic location: 4p16.3.
Variant type: single nucleotide variant.
Coding change: c.408C>G on transcript NM_001127178.3 (MANE Select); coding-DNA position 408, C replaced by G.
Protein change: p.Asn136Lys; replaces asparagine 136 with lysine.
Molecular consequence: missense variant. On other transcripts: 5 prime UTR variant (4), non-coding transcript variant (10), intron variant (1).
Genome position (GRCh38, 1-based): chr4:505,765, C>G. VCF-style: chr4-505765-C-G. GRCh37 (hg19) VCF-style: chr4-499554-C-G.
Other names: c.141C>G, p.Asn47Lys (NM_001289051.2, NM_001289053.2, NM_001289057.2 and 2 more transcripts); c.42C>G, p.Asn14Lys (NM_001289055.2); c.-480C>G (NM_001345988.2); c.408C>G, p.Asn136Lys (NM_001345989.2, NM_017733.5); c.-1218C>G (NM_001345990.2); c.-1080C>G (NM_001345991.2); c.-805C>G (NM_001345994.2); c.361-3064C>G (NM_001289052.2); short protein forms N47K, N136K, N14K.
Identifiers: ClinVar variation 1971852 (VCV001971852.5), dbSNP rs1313610684, ClinGen allele CA355894599.

ClinVar aggregate classification (germline): Uncertain significance (1 of 4 stars; one submission).

Conditions:
Intellectual disability, autosomal recessive 53 (NEDHSCA). Also called: NEURODEVELOPMENTAL DISORDER WITH OR WITHOUT HYPOTONIA, SEIZURES, AND CEREBELLAR ATROPHY; GLYCOSYLPHOSPHATIDYLINOSITOL BIOSYNTHESIS DEFECT 13; Mental retardation, autosomal recessive 53. Identifiers: Orphanet 488635, MedGen C4310794, MONDO:0014832, OMIM 616917.

gnomAD v4.1: 3 of 1,613,450 alleles (0.00019%); highest among the groups gnomAD compares: Non-Finnish European, 0.00025%; no homozygotes.

Submission:

Labcorp Genetics (formerly Invitae), Labcorp
Classification: Uncertain significance for Intellectual disability, autosomal recessive 53. Last evaluated: 2022-02-22. Review status: criteria provided, single submitter. Criteria: Invitae Variant Classification Sherloc (09022015). Collection method: clinical testing. Allele origin: germline.
Comment: This variant has not been reported in the literature in individuals affected with PIGG-related conditions. Algorithms developed to predict the effect of missense changes on protein structure and function (SIFT, PolyPhen-2, Align-GVGD) all suggest that this variant is likely to be disruptive. In summary, the available evidence is currently insufficient to determine the role of this variant in disease. Therefore, it has been classified as a Variant of Uncertain Significance. This sequence change replaces asparagine, which is neutral and polar, with lysine, which is basic and polar, at codon 136 of the PIGG protein (p.Asn136Lys). This variant is not present in population databases (gnomAD no frequency).